The following is an entry in ClinVar:

NM_001130004.2(ACTN1):c.415A>G (p.Ile139Val)

Gene: ACTN1 (actinin alpha 1; minus strand). Cytogenetic location: 14q24.1.
Variant type: single nucleotide variant.
Coding change: c.415A>G on transcript NM_001130004.2 (MANE Select); coding-DNA position 415, A replaced by G.
Protein change: p.Ile139Val; replaces isoleucine 139 with valine.
Molecular consequence: missense variant.
Genome position (GRCh38, 1-based): chr14:68,912,168, T>C on the plus strand (A>G on the coding strand, the complement: ACTN1 is on the minus strand). VCF-style: chr14-68912168-T-C. GRCh37 (hg19) VCF-style: chr14-69378885-T-C.
Other names: c.415A>G, p.Ile139Val (NM_001102.4, NM_001130005.2); short protein forms I139V.
Identifiers: ClinVar variation 627306 (VCV000627306.5), dbSNP rs1594803107, ClinGen allele CA390192022.

ClinVar aggregate classification (germline): Uncertain significance. Review status: criteria provided, multiple submitters, no conflicts (2 of 4 stars). 3 submissions from 3 submitters: Uncertain significance (3). Last evaluated 2025-11-27.

Conditions:
Thrombocytopenia. Identifiers: MedGen C0040034, MeSH D013921, MONDO:0002049, HP:0001873.

Submissions (3):

Labcorp Genetics (formerly Invitae), Labcorp
Classification: Uncertain significance. Last evaluated: 2025-11-27. Review status: criteria provided, single submitter. Criteria: Invitae Variant Classification Sherloc (09022015). Collection method: clinical testing. Allele origin: germline.
Comment: This sequence change replaces isoleucine, which is neutral and non-polar, with valine, which is neutral and non-polar, at codon 139 of the ACTN1 protein (p.Ile139Val). This variant is not present in population databases (gnomAD no frequency). This missense change has been observed in individual(s) with ACTN1-related conditions (PMID: 31064749). ClinVar contains an entry for this variant (Variation ID: 627306). Invitae Evidence Modeling of protein sequence and biophysical properties (such as structural, functional, and spatial information, amino acid conservation, physicochemical variation, residue mobility, and thermodynamic stability) indicates that this missense variant is not expected to disrupt ACTN1 protein function with a negative predictive value of 80%. In summary, the available evidence is currently insufficient to determine the role of this variant in disease. Therefore, it has been classified as a Variant of Uncertain Significance.

Dasa
Classification: Uncertain significance. Last evaluated: 2024-06-18. Review status: criteria provided, single submitter. Criteria: DASA Assertion Criteria. Collection method: clinical testing. Allele origin: germline.
Comment: NM_001130004.2(ACTN1):c.415A>G (p.Ile139Val) is a missense variant that results in the substitution of isoleucine with valine. This variant has been reported in individuals with ACTN1-related disorders. Also, this variant is rare in population databases. The currently available literature and clinical evidence are not sufficient to establish a definitive association between this variant and the reported condition. Therefore, this variant is classified as a variant of uncertain significance.

NIHR Bioresource Rare Diseases, University of Cambridge
Classification: Uncertain significance for Thrombocytopenia. Last evaluated: 2019-02-01. Review status: criteria provided, single submitter. Criteria: ACMG Guidelines, 2015. Collection method: research. Allele origin: unknown. Affected: yes. Observed: 1 heterozygote. Study: ThromboGenomics.

Literature cited by the submitters: PubMed 31064749 (cited by Labcorp Genetics (formerly Invitae), Labcorp and NIHR Bioresource Rare Diseases, University of Cambridge).